The following is an entry in ClinVar:

ClinVar aggregate classification (germline): Uncertain significance (1 of 4 stars; one submission).

Submission:

GeneDx
Classification: Uncertain significance. Last evaluated: 2024-02-15. Review status: criteria provided, single submitter. Criteria: GeneDx Variant Classification Process June 2021. Collection method: clinical testing. Allele origin: germline. Affected: yes.
Comment: In-frame deletion of 1 amino acids in a non-repeat region; Not observed at significant frequency in large population cohorts (gnomAD); In silico analysis supports a deleterious effect on protein structure/function; Has not been previously published as pathogenic or benign to our knowledge

NM_000486.6(AQP2):c.608TCT[1] (p.Phe204del)

Genes: AQP2 (aquaporin 2; plus strand), AQP5-AS1 (AQP5 and AQP2 antisense RNA 2; minus strand). Cytogenetic location: 12q13.12.
Variant type: Microsatellite.
Coding change: c.608TCT[1] on transcript NM_000486.6 (MANE Select); one copy of the 3-base unit TCT starting at c.608; the reference has two copies in a row; one copy, 3 bases deleted; also written c.611_613del.
Protein change: p.Phe204del; deletes phenylalanine 204.
Molecular consequence: inframe deletion. On other transcripts: inframe indel (2).
Genome position (GRCh38, 1-based): chr12:49,955,403-49,955,405, TCT deleted; deleting any 3 consecutive bases within chr12:49,955,400-49,955,405 gives the same sequence; the position shown is the placement nearest the transcript's 3' end. VCF-style (leftmost placement, unchanged base first): chr12-49955399-GTCT-G. GRCh37 (hg19) VCF-style: chr12-50349182-GTCT-G.
Other names: c.608_610TCT[1], p.Phe204del (NM_000486.5); c.611_613del (NM_000486.5); short protein forms F204del.
Identifiers: ClinVar variation 3369051 (VCV003369051.1).
Genomic context (GRCh38, chr12:49,955,399, plus strand): 5'-GCGGGCTCCGCGTGCCGGTGCCGGCGCGGGTGCCAAGCCGCCCTCTCCGCTCGCCCCCAG[GTCT>G]TCTGGATCGGACCCCTGGTGGGCGCCATCCTGGGCTCCCTCCTCTACAACTACGTGCTGT-3'